The following is an entry in ClinVar:

ClinVar aggregate classification (germline): Likely benign. Review status: criteria provided, multiple submitters, no conflicts (2 of 4 stars). 2 submissions from 2 submitters: Likely benign (2). Last evaluated 2022-04-01.

Allele frequency attached by ClinVar (database versions not stated): ESP Exome Variant Server 0.00008; gnomAD 0.00008 and 0.00009; gnomAD exomes 0.00008 and 0.00009; ExAC 0.00009; TOPMed 0.00009.
gnomAD v4.1: 147 of 1,613,936 alleles (0.0091%); highest among the groups gnomAD compares: Non-Finnish European, 0.012%; no homozygotes.

Submissions (2):

CeGaT Center for Human Genetics Tuebingen
Classification: Likely benign. Last evaluated: 2022-04-01. Review status: criteria provided, single submitter. Criteria: CeGaT Center For Human Genetics Tuebingen Variant Classification Criteria Version 2. Collection method: clinical testing. Allele origin: germline. Affected: yes. Observed: 1 variant allele.
Comment: XPO1: BP4, BP7

Labcorp Genetics (formerly Invitae), Labcorp
Classification: Likely benign. Last evaluated: 2018-03-29. Review status: criteria provided, single submitter. Criteria: Invitae Variant Classification Sherloc (09022015). Collection method: clinical testing. Allele origin: germline.

NM_003400.4(XPO1):c.2271G>A (p.Lys757=)

Gene: XPO1 (exportin 1; minus strand). Cytogenetic location: 2p15.
Variant type: single nucleotide variant.
Coding change: c.2271G>A on transcript NM_003400.4 (MANE Select); coding-DNA position 2271, G replaced by A.
Protein change: p.Lys757=; no amino-acid change (lysine 757 retained).
Molecular consequence: synonymous variant.
Genome position (GRCh38, 1-based): chr2:61,488,207, C>T on the plus strand (G>A on the coding strand, the complement: XPO1 is on the minus strand). VCF-style: chr2-61488207-C-T. GRCh37 (hg19) VCF-style: chr2-61715342-C-T.
Identifiers: ClinVar variation 737667 (VCV000737667.27), dbSNP rs373800890, ClinGen allele CA1678279.
Genomic context (GRCh38, chr2:61,488,207, plus strand): 5'-AAAGCATCTCTCACTTACCATCTGTGGATCATTGGATCGGCTCACCCAACCAGATATTAA[C>T]TTTAAAGTTTCCCTTTTTACAGTTCGCATACTTCTAATCAATGGTTGCTTTGTAACCATT-3'
Protein context (NP_003391.1, residues 747-767): SMRTVKRETL[Lys757=]LISGWVSRSN